The following is an entry in ClinVar:

ClinVar aggregate classification (germline): Conflicting classifications of pathogenicity. Review status: criteria provided, conflicting classifications (1 of 4 stars). 2 submissions from 2 submitters: Uncertain significance (1); Likely benign (1). Last evaluated 2024-08-27.

Conditions:
Inborn genetic diseases. Identifiers: MedGen C0950123, MeSH D030342.

Allele frequency attached by ClinVar (database versions not stated): gnomAD exomes 0.00008; ExAC 0.00012; gnomAD 0.00014 and 0.00016; TOPMed 0.00019; ESP Exome Variant Server 0.00054.
gnomAD v4.1: 53 of 1,612,168 alleles (0.0033%); highest among the groups gnomAD compares: African/African-American, 0.036%; no homozygotes.

Submissions (2):

Ambry Genetics
Classification: Likely benign for Inborn genetic diseases. Last evaluated: 2024-08-27. Review status: criteria provided, single submitter. Criteria: Ambry Variant Classification Scheme 2023. Collection method: clinical testing. Allele origin: germline.

Labcorp Genetics (formerly Invitae), Labcorp
Classification: Uncertain significance. Last evaluated: 2023-10-05. Review status: criteria provided, single submitter. Criteria: Invitae Variant Classification Sherloc (09022015). Collection method: clinical testing. Allele origin: germline.
Comment: This sequence change replaces arginine, which is basic and polar, with histidine, which is basic and polar, at codon 404 of the PLOD3 protein (p.Arg404His). This variant is present in population databases (rs137857342, gnomAD 0.05%). This variant has not been reported in the literature in individuals affected with PLOD3-related conditions. ClinVar contains an entry for this variant (Variation ID: 1441663). Advanced modeling of protein sequence and biophysical properties (such as structural, functional, and spatial information, amino acid conservation, physicochemical variation, residue mobility, and thermodynamic stability) performed at Invitae indicates that this missense variant is not expected to disrupt PLOD3 protein function. Algorithms developed to predict the effect of sequence changes on RNA splicing suggest that this variant may disrupt the consensus splice site. In summary, the available evidence is currently insufficient to determine the role of this variant in disease. Therefore, it has been classified as a Variant of Uncertain Significance.

NM_001084.5(PLOD3):c.1211G>A (p.Arg404His)

Gene: PLOD3 (procollagen-lysine,2-oxoglutarate 5-dioxygenase 3; minus strand). Cytogenetic location: 7q22.1.
Variant type: single nucleotide variant.
Coding change: c.1211G>A on transcript NM_001084.5 (MANE Select); coding-DNA position 1211, G replaced by A.
Protein change: p.Arg404His; replaces arginine 404 with histidine.
Molecular consequence: missense variant.
Genome position (GRCh38, 1-based): chr7:101,211,867, C>T on the plus strand (G>A on the coding strand, the complement: PLOD3 is on the minus strand). VCF-style: chr7-101211867-C-T. GRCh37 (hg19) VCF-style: chr7-100855148-C-T.
Other names: c.1211G>A (NM_001084.4); short protein forms R404H.
Identifiers: ClinVar variation 1441663 (VCV001441663.5), dbSNP rs137857342, ClinGen allele CA4407798.